The following is an entry in ClinVar:

NC_000004.12:g.6269836T>A

Genes: WFS1 (wolframin ER transmembrane glycoprotein; plus strand), LOC129992166 (ATAC-STARR-seq lymphoblastoid silent region 15229; plus strand). Cytogenetic location: 4p16.1.
Variant type: single nucleotide variant.
Genome position: GRCh38 VCF-style: chr4-6269836-T-A. GRCh37 (hg19) VCF-style: chr4-6271563-T-A.
Identifiers: ClinVar variation 3034271 (VCV003034271.2), dbSNP rs1729743199, ClinGen allele CA1058877509.
Genomic context (GRCh38, chr4:6,269,836, plus strand): 5'-AGCTGGCGCCGCATCCGGGGGGCCGCGTCTGGAGTGGAGGGAGGCCGAAGGCCCCGCCCC[T>A]GCCCCGCCCCCTCGTGCAGAAGGCCGCGCTAGCCGGCTCTTCAGCAGCGAGTGCAGATTG-3'

ClinVar aggregate classification (germline): Likely benign (0 of 4 stars; one submission).

Conditions:
WFS1-related disorder. Identifiers: MedGen CN379391, MONDO:0700293.

Submission:

PreventionGenetics, part of Exact Sciences
Classification: Likely benign for WFS1-related condition. Last evaluated: 2021-05-17. Review status: no assertion criteria provided. Collection method: clinical testing. Allele origin: germline.
Comment: This variant is classified as likely benign based on ACMG/AMP sequence variant interpretation guidelines (Richards et al. 2015 PMID: 25741868, with internal and published modifications).